The following is an entry in ClinVar:

ClinVar aggregate classification (germline): Uncertain significance. Review status: criteria provided, multiple submitters, no conflicts (2 of 4 stars). 3 submissions from 3 submitters: Uncertain significance (3). Last evaluated 2022-10-31.

Conditions:
Autosomal dominant nonsyndromic hearing loss 4A. Also called: Deafness, autosomal dominant 4A. Identifiers: Orphanet 90635, MedGen C1833503, MONDO:0010915, OMIM 600652.

Allele frequency attached by ClinVar (database versions not stated): gnomAD below 0.00001 and 0.00001; TOPMed below 0.00001; ExAC 0.00002; gnomAD exomes 0.00002.
gnomAD v4.1: 23 of 1,613,674 alleles (0.0014%); highest among the groups gnomAD compares: South Asian, 0.0099%; no homozygotes.

Submissions (3):

GeneDx
Classification: Uncertain significance. Last evaluated: 2022-10-31. Review status: criteria provided, single submitter. Criteria: GeneDx Variant Classification Process June 2021. Collection method: clinical testing. Allele origin: germline. Affected: yes.
Comment: In silico analysis supports that this missense variant has a deleterious effect on protein structure/function; Has not been previously published as pathogenic or benign to our knowledge

Illumina Laboratory Services, Illumina
Classification: Uncertain significance for Autosomal dominant nonsyndromic hearing loss 4A. Last evaluated: 2018-01-13. Review status: criteria provided, single submitter. Criteria: ICSL Variant Classification Criteria 13 December 2019. Collection method: clinical testing. Allele origin: germline.

Breakthrough Genomics
Classification: Uncertain significance. Review status: criteria provided, single submitter. Criteria: ACMG Guidelines, 2015. Collection method: not provided. Allele origin: germline. Inheritance: Autosomal dominant inheritance. Affected: yes.

NM_001145809.2(MYH14):c.866T>C (p.Ile289Thr)

Gene: MYH14 (myosin heavy chain 14; plus strand). Cytogenetic location: 19q13.33.
Variant type: single nucleotide variant.
Coding change: c.866T>C on transcript NM_001145809.2 (MANE Select); coding-DNA position 866, T replaced by C.
Protein change: p.Ile289Thr; replaces isoleucine 289 with threonine.
Molecular consequence: missense variant.
Genome position (GRCh38, 1-based): chr19:50,226,958, T>C. VCF-style: chr19-50226958-T-C. GRCh37 (hg19) VCF-style: chr19-50730215-T-C.
Other names: c.866T>C, p.Ile289Thr (NM_001077186.2); c.842T>C, p.Ile281Thr (NM_024729.4); short protein forms I289T, I281T.
Identifiers: ClinVar variation 329908 (VCV000329908.7), dbSNP rs777836668, ClinGen allele CA9592431.